The following is an entry in ClinVar:

ClinVar aggregate classification (germline): Benign/Likely benign. Review status: criteria provided, multiple submitters, no conflicts (2 of 4 stars). 4 submissions from 4 submitters: Benign (2); Likely benign (1). 1 of the submissions does not count toward it. Last evaluated 2025-12-11.

Conditions:
LONP1-related disorder. Also called: LONP1-related condition; LONP1-related disorders.

Allele frequency attached by ClinVar (database versions not stated): gnomAD exomes 0.00020 and 0.00101; gnomAD 0.00036 and 0.00051; TOPMed 0.00061; ExAC 0.00090; 1000 Genomes Project 0.00280; 1000 Genomes Project 30x 0.00281.
gnomAD v4.1: 527 of 1,614,096 alleles (0.033%); highest among the groups gnomAD compares: East Asian, 0.74%; 11 homozygotes.

Submissions (4):

Labcorp Genetics (formerly Invitae), Labcorp
Classification: Benign. Last evaluated: 2025-12-11. Review status: criteria provided, single submitter. Criteria: Invitae Variant Classification Sherloc (09022015). Collection method: clinical testing. Allele origin: germline.

CeGaT Center for Human Genetics Tuebingen
Classification: Benign. Last evaluated: 2022-06-01. Review status: criteria provided, single submitter. Criteria: CeGaT Center For Human Genetics Tuebingen Variant Classification Criteria Version 2. Collection method: clinical testing. Allele origin: germline. Affected: yes. Observed: 1 variant allele.
Comment: LONP1: BS1, BS2

GeneDx
Classification: Likely benign. Last evaluated: 2018-05-21. Review status: criteria provided, single submitter. Criteria: GeneDx Variant Classification (06012015). Collection method: clinical testing. Allele origin: germline. Affected: yes.
Comment: This variant is considered likely benign or benign based on one or more of the following criteria: it is a conservative change, it occurs at a poorly conserved position in the protein, it is predicted to be benign by multiple in silico algorithms, and/or has population frequency not consistent with disease.

PreventionGenetics, part of Exact Sciences
Classification: Likely benign for LONP1-related condition. Last evaluated: 2024-06-03. Review status: no assertion criteria provided. Collection method: clinical testing. Allele origin: germline. Not counted in ClinVar's aggregate classification.
Comment: This variant is classified as likely benign based on ACMG/AMP sequence variant interpretation guidelines (Richards et al. 2015 PMID: 25741868, with internal and published modifications).

NM_004793.4(LONP1):c.2392G>A (p.Gly798Ser)

Gene: LONP1 (lon peptidase 1, mitochondrial; minus strand). Cytogenetic location: 19p13.3.
Variant type: single nucleotide variant.
Coding change: c.2392G>A on transcript NM_004793.4 (MANE Select); coding-DNA position 2392, G replaced by A.
Protein change: p.Gly798Ser; replaces glycine 798 with serine.
Molecular consequence: missense variant. On other transcripts: non-coding transcript variant (1).
Genome position (GRCh38, 1-based): chr19:5,693,698, C>T on the plus strand (G>A on the coding strand, the complement: LONP1 is on the minus strand). VCF-style: chr19-5693698-C-T. GRCh37 (hg19) VCF-style: chr19-5693709-C-T.
Other names: c.2200G>A, p.Gly734Ser (NM_001276479.2); c.1804G>A, p.Gly602Ser (NM_001276480.1); short protein forms G798S, G602S, G734S.
Identifiers: ClinVar variation 679497 (VCV000679497.41), dbSNP rs201378376, ClinGen allele CA9114123.